The following is an entry in ClinVar:

NM_001492.6(GDF1):c.1019C>G (p.Ala340Gly)

Genes: CERS1 (ceramide synthase 1; minus strand), GDF1 (growth differentiation factor 1; minus strand). Cytogenetic location: 19p13.11.
Variant type: single nucleotide variant.
Coding change: c.1019C>G on transcript NM_001492.6 (MANE Select); coding-DNA position 1019, C replaced by G.
Protein change: p.Ala340Gly; replaces alanine 340 with glycine.
Molecular consequence: missense variant. On other transcripts: 3 prime UTR variant (2).
Genome position (GRCh38, 1-based): chr19:18,868,697, G>C on the plus strand (C>G on the coding strand, the complement: GDF1 is on the minus strand). VCF-style: chr19-18868697-G-C. GRCh37 (hg19) VCF-style: chr19-18979506-G-C.
Other names: c.*1880C>G (NM_001387440.1); c.*1288C>G (NM_021267.5); c.1019C>G, p.Ala340Gly (NM_001387438.1); short protein forms A340G.
Identifiers: ClinVar variation 1512258 (VCV001512258.6), dbSNP rs537524649, ClinGen allele CA9317907.
Genomic context (GRCh38, chr19:18,868,697, plus strand): 5'-TGCCGCAGCACCACGTTGTCGCTGTTGTCAAAGAAGAGCACGGAGATGGGCGACAGGCGC[G>C]CGGGCACGCAGCAGGGCAGGTCGGCGGCTCCCGGGGCGGCCGCGTGCATGAGCGCGCGCA-3'
Protein context (NP_001483.3, residues 330-350): GAADLPCCVP[Ala340Gly]RLSPISVLFF

ClinVar aggregate classification (germline): Uncertain significance (1 of 4 stars; one submission).

Allele frequency attached by ClinVar (database versions not stated): gnomAD exomes 0.00001 and 0.00003; gnomAD 0.00003; TOPMed 0.00003; ExAC 0.00005; 1000 Genomes Project 30x 0.00016; 1000 Genomes Project 0.00020.
gnomAD v4.1: 25 of 1,557,572 alleles (0.0016%); highest among the groups gnomAD compares: Admixed American, 0.013%; no homozygotes.

Submission:

Labcorp Genetics (formerly Invitae), Labcorp
Classification: Uncertain significance. Last evaluated: 2020-12-03. Review status: criteria provided, single submitter. Criteria: Invitae Variant Classification Sherloc (09022015). Collection method: clinical testing. Allele origin: germline.
Comment: In summary, the available evidence is currently insufficient to determine the role of this variant in disease. Therefore, it has been classified as a Variant of Uncertain Significance. Algorithms developed to predict the effect of missense changes on protein structure and function are either unavailable or do not agree on the potential impact of this missense change (SIFT: "Deleterious"; PolyPhen-2: "Benign"; Align-GVGD: "Class C0"). This variant has not been reported in the literature in individuals with GDF1-related conditions. This variant is present in population databases (rs537524649, ExAC 0.2%). This sequence change replaces alanine with glycine at codon 340 of the GDF1 protein (p.Ala340Gly). The alanine residue is weakly conserved and there is a small physicochemical difference between alanine and glycine.